The following is an entry in ClinVar:

NM_032119.4(ADGRV1):c.16078+3A>T

Gene: ADGRV1 (adhesion G protein-coupled receptor V1; plus strand). Cytogenetic location: 5q14.3.
Variant type: single nucleotide variant.
Coding change: c.16078+3A>T on transcript NM_032119.4 (MANE Select); 3 bases into the intron after coding-DNA position 16078, A replaced by T.
Molecular consequence: intron variant.
Genome position (GRCh38, 1-based): chr5:90,811,341, A>T. VCF-style: chr5-90811341-A-T. GRCh37 (hg19) VCF-style: chr5-90107158-A-T.
Identifiers: ClinVar variation 2745707 (VCV002745707.3), dbSNP rs953628006, ClinGen allele CA2697546365.

ClinVar aggregate classification (germline): Uncertain significance (1 of 4 stars; one submission).

Submission:

Labcorp Genetics (formerly Invitae), Labcorp
Classification: Uncertain significance. Last evaluated: 2023-08-28. Review status: criteria provided, single submitter. Criteria: Invitae Variant Classification Sherloc (09022015). Collection method: clinical testing. Allele origin: germline.
Comment: This variant has not been reported in the literature in individuals affected with ADGRV1-related conditions. In summary, the available evidence is currently insufficient to determine the role of this variant in disease. Therefore, it has been classified as a Variant of Uncertain Significance. Variants that disrupt the consensus splice site are a relatively common cause of aberrant splicing (PMID: 17576681, 9536098). Algorithms developed to predict the effect of sequence changes on RNA splicing suggest that this variant may disrupt the consensus splice site. This variant is not present in population databases (gnomAD no frequency). This sequence change falls in intron 74 of the ADGRV1 gene. It does not directly change the encoded amino acid sequence of the ADGRV1 protein. It affects a nucleotide within the consensus splice site.

Literature cited by the submitters: PubMed 17576681; PubMed 9536098.